The following is an entry in ClinVar:

NM_001723.7(DST):c.3749G>A (p.Arg1250Gln)

Gene: DST (dystonin; minus strand). Cytogenetic location: 6p12.1.
Variant type: single nucleotide variant.
Coding change: c.3749G>A on transcript NM_001723.7 (MANE Plus Clinical); coding-DNA position 3749, G replaced by A.
Protein change: p.Arg1250Gln; replaces arginine 1250 with glutamine.
Molecular consequence: missense variant. On other transcripts: intron variant (10).
Genome position (GRCh38, 1-based): chr6:56,620,285, C>T on the plus strand (G>A on the coding strand, the complement: DST is on the minus strand). VCF-style: chr6-56620285-C-T. GRCh37 (hg19) VCF-style: chr6-56485083-C-T.
Other names: c.4830+4245G>A (NM_001144769.5); c.4929+4245G>A (NM_001374722.1, NM_001374736.1); c.4956+4245G>A (NM_001374734.1); c.4416+4245G>A (NM_001144770.2); c.4296+4245G>A (NM_001374730.1, NM_001386100.1, NM_183380.4 and 1 more transcripts); c.3318+4245G>A (NM_015548.5); short protein forms R1250Q.
Identifiers: ClinVar variation 1981792 (VCV001981792.1), dbSNP rs1446480074, ClinGen allele CA364571226.

ClinVar aggregate classification (germline): Uncertain significance (1 of 4 stars; one submission).

Conditions:
Hereditary sensory and autonomic neuropathy type 6. Also called: Neuropathy, hereditary sensory and autonomic, type VI; HSAN VI. Identifiers: Orphanet 314381, MedGen C3539003, MONDO:0013839, OMIM 614653.
Epidermolysis bullosa simplex 3, localized or generalized intermediate, with BP230 deficiency (EBS3). Also called: Epidermolysis bullosa simplex due to BP230 deficiency; Epidermolysis bullosa simplex, autosomal recessive 2. Identifiers: Orphanet 412181, MedGen C3809470, MONDO:0014180, OMIM 615425.

Allele frequency attached by ClinVar (database versions not stated): gnomAD exomes 0.00001.
gnomAD v4.1: 19 of 1,613,992 alleles (0.0012%); highest among the groups gnomAD compares: Middle Eastern, 0.016%; no homozygotes.

Submission:

Labcorp Genetics (formerly Invitae), Labcorp
Classification: Uncertain significance for Epidermolysis bullosa simplex 3, localized or generalized intermediate, with BP230 deficiency; Hereditary sensory and autonomic neuropathy type 6. Last evaluated: 2022-02-27. Review status: criteria provided, single submitter. Criteria: Invitae Variant Classification Sherloc (09022015). Collection method: clinical testing. Allele origin: germline.
Comment: This sequence change replaces arginine, which is basic and polar, with glutamine, which is neutral and polar, at codon 1250 of the DST protein (p.Arg1250Gln). This variant is present in population databases (no rsID available, gnomAD 0.003%). This variant has not been reported in the literature in individuals affected with DST-related conditions. Algorithms developed to predict the effect of missense changes on protein structure and function (SIFT, PolyPhen-2, Align-GVGD) all suggest that this variant is likely to be tolerated. In summary, the available evidence is currently insufficient to determine the role of this variant in disease. Therefore, it has been classified as a Variant of Uncertain Significance.